The following is an entry in ClinVar:

ClinVar aggregate classification (germline): Uncertain significance. Review status: criteria provided, multiple submitters, no conflicts (2 of 4 stars). 2 submissions from 2 submitters: Uncertain significance (2). Last evaluated 2025-11-10.

Conditions:
Inborn genetic diseases. Identifiers: MedGen C0950123, MeSH D030342.

Allele frequency attached by ClinVar (database versions not stated): gnomAD exomes below 0.00001.

Submissions (2):

Labcorp Genetics (formerly Invitae), Labcorp
Classification: Uncertain significance. Last evaluated: 2025-11-10. Review status: criteria provided, single submitter. Criteria: Invitae Variant Classification Sherloc (09022015). Collection method: clinical testing. Allele origin: germline.
Comment: This sequence change replaces cysteine, which is neutral and slightly polar, with serine, which is neutral and polar, at codon 268 of the PRKN protein (p.Cys268Ser). This variant is present in population databases (no rsID available, gnomAD 0.003%). This variant has not been reported in the literature in individuals affected with PRKN-related conditions. ClinVar contains an entry for this variant (Variation ID: 1440159). Invitae Evidence Modeling of protein sequence and biophysical properties (such as structural, functional, and spatial information, amino acid conservation, physicochemical variation, residue mobility, and thermodynamic stability) indicates that this missense variant is not expected to disrupt PRKN protein function with a negative predictive value of 80%. In summary, the available evidence is currently insufficient to determine the role of this variant in disease. Therefore, it has been classified as a Variant of Uncertain Significance.

Ambry Genetics
Classification: Uncertain significance for Inborn genetic diseases. Last evaluated: 2024-08-19. Review status: criteria provided, single submitter. Criteria: Ambry Variant Classification Scheme 2023. Collection method: clinical testing. Allele origin: germline.

NM_004562.3(PRKN):c.802T>A (p.Cys268Ser)

Gene: PRKN (parkin RBR E3 ubiquitin protein ligase; minus strand). Cytogenetic location: 6q26.
Variant type: single nucleotide variant.
Coding change: c.802T>A on transcript NM_004562.3 (MANE Select); coding-DNA position 802, T replaced by A.
Protein change: p.Cys268Ser; replaces cysteine 268 with serine.
Molecular consequence: missense variant.
Genome position (GRCh38, 1-based): chr6:161,785,841, A>T on the plus strand (T>A on the coding strand, the complement: PRKN is on the minus strand). VCF-style: chr6-161785841-A-T. GRCh37 (hg19) VCF-style: chr6-162206873-A-T.
Other names: c.802T>A (NM_004562.2); c.718T>A, p.Cys240Ser (NM_013987.3); c.355T>A, p.Cys119Ser (NM_013988.3); short protein forms C240S, C268S, C119S.
Identifiers: ClinVar variation 1440159 (VCV001440159.7), dbSNP rs1315134059, ClinGen allele CA366465582.